The following is an entry in ClinVar:

ClinVar aggregate classification (germline): Benign. Review status: criteria provided, multiple submitters, no conflicts (2 of 4 stars). 3 submissions from 3 submitters: Benign (2). 1 of the submissions does not count toward it. Last evaluated 2021-05-16.

Conditions:
Thrombomodulin-related bleeding disorder (THPH12). Also called: Thrombophilia due to thrombomodulin defect. Identifiers: Orphanet 436169, MedGen C3280976, MONDO:0013775, OMIM 614486.

Allele frequency attached by ClinVar (database versions not stated): gnomAD 0.00891 and 0.01021; TOPMed 0.01152; gnomAD exomes 0.01459; ExAC 0.01826; 1000 Genomes Project 30x 0.02514; 1000 Genomes Project 0.02815.

Submissions (3):

GeneDx
Classification: Benign. Last evaluated: 2021-05-16. Review status: criteria provided, single submitter. Criteria: GeneDx Variant Classification Process June 2021. Collection method: clinical testing. Allele origin: germline. Affected: yes.
Comment: This variant is associated with the following publications: (PMID: 23332921, 10195941, 11552992, 9236408)

Breakthrough Genomics
Classification: Benign. Review status: criteria provided, single submitter. Criteria: ACMG Guidelines, 2015. Collection method: not provided. Allele origin: germline. Inheritance: Autosomal dominant inheritance. Affected: yes.

OMIM
Classification: Pathogenic for THROMBOPHILIA DUE TO THROMBOMODULIN DEFECT. Last evaluated: 2002-08-01. Review status: no assertion criteria provided. Collection method: literature only. Allele origin: germline. Not counted in ClinVar's aggregate classification.

Literature cited by the submitters: PubMed 9236408 (cited by OMIM); PubMed 10195941 (cited by OMIM); PubMed 11078228 (cited by OMIM); PubMed 12139752 (cited by OMIM).

NC_000020.11:g.23049706C>T

Gene: THBD (thrombomodulin; minus strand). Cytogenetic location: 20p11.21.
Variant type: single nucleotide variant.
Genome position: GRCh38 VCF-style: chr20-23049706-C-T. GRCh37 (hg19) VCF-style: chr20-23030343-C-T.
Other names: -33G-A, PROMOTER.
Identifiers: ClinVar variation 1297275 (VCV001297275.5), dbSNP rs13306848, ClinGen allele CA9787830.
Genomic context (GRCh38, chr20:23,049,706, plus strand): 5'-CAGCCCCTGCGAGGCAGCCTCTGACATGCGGATCGGCCAGGGCTCGAGTTTATAAGTGCC[C>T]GGCCCTCCCTCCCTGGACGTTCGGGAAAAGGAAGGAAGTGCCTGGTGGGAAGGGCTGATG-3'